The following is an entry in ClinVar:

ClinVar aggregate classification (germline): Uncertain significance (1 of 4 stars; one submission).

Submission:

GeneDx
Classification: Uncertain significance. Last evaluated: 2024-07-03. Review status: criteria provided, single submitter. Criteria: GeneDx Variant Classification Process June 2021. Collection method: clinical testing. Allele origin: germline. Affected: yes.
Comment: Not observed at significant frequency in large population cohorts (gnomAD); In silico analysis supports that this missense variant has a deleterious effect on protein structure/function; Has not been previously published as pathogenic or benign to our knowledge

NM_000156.6(GAMT):c.416T>C (p.Leu139Pro)

Gene: GAMT (guanidinoacetate N-methyltransferase; minus strand). Cytogenetic location: 19p13.3.
Variant type: single nucleotide variant.
Coding change: c.416T>C on transcript NM_000156.6 (MANE Select); coding-DNA position 416, T replaced by C.
Protein change: p.Leu139Pro; replaces leucine 139 with proline.
Molecular consequence: missense variant.
Genome position (GRCh38, 1-based): chr19:1,399,171, A>G on the plus strand (T>C on the coding strand, the complement: GAMT is on the minus strand). VCF-style: chr19-1399171-A-G. GRCh37 (hg19) VCF-style: chr19-1399170-A-G.
Other names: c.416T>C, p.Leu139Pro (NM_138924.3); short protein forms L139P.
Identifiers: ClinVar variation 3393570 (VCV003393570.1).